The following is an entry in ClinVar:

NM_000548.5(TSC2):c.4635C>G (p.Ile1545Met)

Gene: TSC2 (TSC complex subunit 2; plus strand). Cytogenetic location: 16p13.3.
Variant type: single nucleotide variant.
Coding change: c.4635C>G on transcript NM_000548.5 (MANE Select); coding-DNA position 4635, C replaced by G.
Protein change: p.Ile1545Met; replaces isoleucine 1545 with methionine.
Molecular consequence: missense variant.
Genome position (GRCh38, 1-based): chr16:2,085,295, C>G. VCF-style: chr16-2085295-C-G. GRCh37 (hg19) VCF-style: chr16-2135296-C-G.
Other names: c.4434C>G, p.Ile1478Met (NM_001077183.3); c.4566C>G, p.Ile1522Met (NM_001114382.3); c.4326C>G, p.Ile1442Met (NM_001318827.2); c.4290C>G, p.Ile1430Met (NM_001318829.2); c.3903C>G, p.Ile1301Met (NM_001318831.2); c.4467C>G, p.Ile1489Met (NM_001318832.2); c.4437C>G, p.Ile1479Met (NM_001363528.2); c.4503C>G, p.Ile1501Met (NM_001370404.1); and 1 more; short protein forms I1301M, I1430M, I1522M, I1442M, I1478M, I1479M, I1489M, I1501M.
Identifiers: ClinVar variation 838523 (VCV000838523.15), dbSNP rs757388437, ClinGen allele CA394304898.
Genomic context (GRCh38, chr16:2,085,295, plus strand): 5'-GTCCTTTGAGCGGTCGGTGCAGCTCCTCGACCAGATCCCATCATACGACACCCACAAGAT[C>G]GCCGTCCTGTATGTTGGAGAAGGCCAGGTGAGGCTGCGGGGCCGGCCTAGGTGCCTGGAC-3'
Protein context (NP_000539.2, residues 1535-1555): DQIPSYDTHK[Ile1545Met]AVLYVGEGQS

ClinVar aggregate classification (germline): Conflicting classifications of pathogenicity. Review status: criteria provided, conflicting classifications (1 of 4 stars). 3 submissions from 3 submitters: Uncertain significance (2); Benign (1). Last evaluated 2025-02-26.

Conditions:
Tuberous sclerosis 2 (TSC2). Identifiers: Orphanet 805, MedGen C1860707, MONDO:0013199, OMIM 613254.
Hereditary cancer-predisposing syndrome. Also called: Neoplastic Syndromes, Hereditary; Hereditary neoplastic syndrome; Tumor predisposition; Hereditary Cancer Syndrome. Identifiers: Orphanet 140162, MedGen C0027672, MeSH D009386, MONDO:0015356.

gnomAD v4.1: 2 of 1,612,748 alleles (0.00012%); highest among the groups gnomAD compares: Non-Finnish European, 0.00017%; no homozygotes.

Submissions (3):

GeneDx
Classification: Uncertain significance. Last evaluated: 2025-02-26. Review status: criteria provided, single submitter. Criteria: GeneDx Variant Classification Process June 2021. Collection method: clinical testing. Allele origin: germline. Affected: yes.
Comment: Not observed at significant frequency in large population cohorts (gnomAD); In silico analysis supports that this missense variant has a deleterious effect on protein structure/function; Has not been previously published as pathogenic or benign to our knowledge; This variant is associated with the following publications: (PMID: 18466115)

Labcorp Genetics (formerly Invitae), Labcorp
Classification: Benign for Tuberous sclerosis 2. Last evaluated: 2025-02-11. Review status: criteria provided, single submitter. Criteria: Invitae Variant Classification Sherloc (09022015). Collection method: clinical testing. Allele origin: germline.

Ambry Genetics
Classification: Uncertain significance for Hereditary cancer-predisposing syndrome. Last evaluated: 2024-10-31. Review status: criteria provided, single submitter. Criteria: Ambry Variant Classification Scheme 2023. Collection method: clinical testing. Allele origin: germline.
Comment: The p.I1545M variant (also known as c.4635C>G), located in coding exon 35 of the TSC2 gene, results from a C to G substitution at nucleotide position 4635. The isoleucine at codon 1545 is replaced by methionine, an amino acid with highly similar properties. This amino acid position is highly conserved in available vertebrate species. In addition, this alteration is predicted to be deleterious by in silico analysis. Based on the available evidence, the clinical significance of this variant remains unclear.